The following is an entry in ClinVar:

ClinVar aggregate classification (germline): Uncertain significance. Review status: criteria provided, multiple submitters, no conflicts (2 of 4 stars). 2 submissions from 2 submitters: Uncertain significance (2). Last evaluated 2026-02-24.

Conditions:
Hereditary nonpolyposis colorectal neoplasms. Identifiers: MedGen C0009405, MeSH D003123.
Hereditary cancer-predisposing syndrome. Also called: Hereditary neoplastic syndrome; Tumor predisposition; Neoplastic Syndromes, Hereditary; Hereditary Cancer Syndrome. Identifiers: Orphanet 140162, MedGen C0027672, MeSH D009386, MONDO:0015356.

Submissions (2):

Ambry Genetics
Classification: Uncertain significance for Hereditary cancer-predisposing syndrome. Last evaluated: 2026-02-24. Review status: criteria provided, single submitter. Criteria: Ambry Variant Classification Scheme 2023. Collection method: clinical testing. Allele origin: germline.
Comment: The p.P540H variant (also known as c.1619C>A), located in coding exon 11 of the PMS2 gene, results from a C to A substitution at nucleotide position 1619. The proline at codon 540 is replaced by histidine, an amino acid with similar properties. This amino acid position is conserved. In addition, this alteration is predicted to be tolerated by in silico analysis. Based on the available evidence, the clinical significance of this variant remains unclear.

Labcorp Genetics (formerly Invitae), Labcorp
Classification: Uncertain significance for Hereditary nonpolyposis colorectal neoplasms. Last evaluated: 2023-11-09. Review status: criteria provided, single submitter. Criteria: Invitae Variant Classification Sherloc (09022015). Collection method: clinical testing. Allele origin: germline.
Comment: This sequence change replaces proline, which is neutral and non-polar, with histidine, which is basic and polar, at codon 540 of the PMS2 protein (p.Pro540His). This variant is not present in population databases (gnomAD no frequency). This variant has not been reported in the literature in individuals affected with PMS2-related conditions. ClinVar contains an entry for this variant (Variation ID: 1387355). Advanced modeling of protein sequence and biophysical properties (such as structural, functional, and spatial information, amino acid conservation, physicochemical variation, residue mobility, and thermodynamic stability) has been performed at Invitae for this missense variant, however the output from this modeling did not meet the statistical confidence thresholds required to predict the impact of this variant on PMS2 protein function. In summary, the available evidence is currently insufficient to determine the role of this variant in disease. Therefore, it has been classified as a Variant of Uncertain Significance.

NM_000535.7(PMS2):c.1619C>A (p.Pro540His)

Gene: PMS2 (PMS1 homolog 2, mismatch repair system component; minus strand). Cytogenetic location: 7p22.1.
Variant type: single nucleotide variant.
Coding change: c.1619C>A on transcript NM_000535.7 (MANE Select); coding-DNA position 1619, C replaced by A.
Protein change: p.Pro540His; replaces proline 540 with histidine.
Molecular consequence: missense variant. On other transcripts: non-coding transcript variant (1).
Genome position (GRCh38, 1-based): chr7:5,987,146, G>T on the plus strand (C>A on the coding strand, the complement: PMS2 is on the minus strand). VCF-style: chr7-5987146-G-T. GRCh37 (hg19) VCF-style: chr7-6026777-G-T.
Other names: c.1214C>A, p.Pro405His (NM_001322003.2, NM_001322004.2, NM_001322005.2 and 1 more transcripts); c.1463C>A, p.Pro488His (NM_001322006.2); c.1301C>A, p.Pro434His (NM_001322007.2, NM_001322008.2); c.1058C>A, p.Pro353His (NM_001322010.2); c.686C>A, p.Pro229His (NM_001322011.2, NM_001322012.2); c.1046C>A, p.Pro349His (NM_001322013.2); c.1619C>A, p.Pro540His (NM_001322014.2); c.1310C>A, p.Pro437His (NM_001322015.2); and 1 more; short protein forms P229H, P353H, P434H, P540H, P349H, P405H, P488H, P437H.
Identifiers: ClinVar variation 1387355 (VCV001387355.7), dbSNP rs1562629708, ClinGen allele CA366741468.